The following is an entry in ClinVar:

NM_012418.4(FSCN2):c.307C>T (p.Arg103Trp)

Gene: FSCN2 (fascin actin-bundling protein 2, retinal; plus strand). Cytogenetic location: 17q25.3.
Variant type: single nucleotide variant.
Coding change: c.307C>T on transcript NM_012418.4 (MANE Select); coding-DNA position 307, C replaced by T.
Protein change: p.Arg103Trp; replaces arginine 103 with tryptophan.
Molecular consequence: missense variant.
Genome position (GRCh38, 1-based): chr17:81,528,838, C>T. VCF-style: chr17-81528838-C-T. GRCh37 (hg19) VCF-style: chr17-79495864-C-T.
Other names: c.307C>T, p.Arg103Trp (NM_001077182.3); short protein forms R103W.
Identifiers: ClinVar variation 968476 (VCV000968476.9), dbSNP rs782481629, ClinGen allele CA8836638.
Genomic context (GRCh38, chr17:81,528,838, plus strand): 5'-CAGCCGGGCCGTGACTGCCGCTTCCTGGTCCTGCCGCAGCCAGATGGGCGCTGGGTGCTG[C>T]GGTCCGAGCCGCACGGCCGCTTCTTCGGAGGCACCGAGGACCAGCTGTCCTGCTTCGCCA-3'
Protein context (NP_036550.1, residues 93-113): LPQPDGRWVL[Arg103Trp]SEPHGRFFGG

ClinVar aggregate classification (germline): Uncertain significance. Review status: criteria provided, multiple submitters, no conflicts (2 of 4 stars). 2 submissions from 2 submitters: Uncertain significance (2). Last evaluated 2025-03-20.

Allele frequency attached by ClinVar (database versions not stated): gnomAD 0.00003; gnomAD exomes 0.00003; TOPMed 0.00003; ExAC 0.00012.

Submissions (2):

Labcorp Genetics (formerly Invitae), Labcorp
Classification: Uncertain significance. Last evaluated: 2025-03-20. Review status: criteria provided, single submitter. Criteria: Invitae Variant Classification Sherloc (09022015). Collection method: clinical testing. Allele origin: germline.
Comment: This sequence change replaces arginine, which is basic and polar, with tryptophan, which is neutral and slightly polar, at codon 103 of the FSCN2 protein (p.Arg103Trp). The frequency data for this variant in the population databases is considered unreliable, as metrics indicate poor data quality at this position in the gnomAD database. This variant has not been reported in the literature in individuals affected with FSCN2-related conditions. ClinVar contains an entry for this variant (Variation ID: 968476). An algorithm developed to predict the effect of missense changes on protein structure and function (PolyPhen-2) suggests that this variant is likely to be disruptive. In summary, the available evidence is currently insufficient to determine the role of this variant in disease. Therefore, it has been classified as a Variant of Uncertain Significance.

Ambry Genetics
Classification: Uncertain significance. Last evaluated: 2023-05-30. Review status: criteria provided, single submitter. Criteria: Ambry Variant Classification Scheme 2023. Collection method: clinical testing. Allele origin: germline.